The following is an entry in ClinVar:

NM_001371928.1(AHDC1):c.406C>A (p.Gln136Lys)

Gene: AHDC1 (AT-hook DNA binding motif containing 1; minus strand). Cytogenetic location: 1p36.11.
Variant type: single nucleotide variant.
Coding change: c.406C>A on transcript NM_001371928.1 (MANE Select); coding-DNA position 406, C replaced by A.
Protein change: p.Gln136Lys; replaces glutamine 136 with lysine.
Molecular consequence: missense variant.
Genome position (GRCh38, 1-based): chr1:27,551,710, G>T on the plus strand (C>A on the coding strand, the complement: AHDC1 is on the minus strand). VCF-style: chr1-27551710-G-T. GRCh37 (hg19) VCF-style: chr1-27878221-G-T.
Other names: c.406C>A, p.Gln136Lys (NM_001029882.3); short protein forms Q136K.
Identifiers: ClinVar variation 2822653 (VCV002822653.3), dbSNP rs748483716, ClinGen allele CA339237379.

ClinVar aggregate classification (germline): Uncertain significance (1 of 4 stars; one submission).

Submission:

Labcorp Genetics (formerly Invitae), Labcorp
Classification: Uncertain significance. Last evaluated: 2022-12-27. Review status: criteria provided, single submitter. Criteria: Invitae Variant Classification Sherloc (09022015). Collection method: clinical testing. Allele origin: germline.
Comment: In summary, the available evidence is currently insufficient to determine the role of this variant in disease. Therefore, it has been classified as a Variant of Uncertain Significance. Algorithms developed to predict the effect of missense changes on protein structure and function are either unavailable or do not agree on the potential impact of this missense change (SIFT: "Deleterious"; PolyPhen-2: "Benign"; Align-GVGD: "Class C0"). This variant has not been reported in the literature in individuals affected with AHDC1-related conditions. This variant is not present in population databases (gnomAD no frequency). This sequence change replaces glutamine, which is neutral and polar, with lysine, which is basic and polar, at codon 136 of the AHDC1 protein (p.Gln136Lys).